The following is an entry in ClinVar:

ClinVar aggregate classification (germline): Likely pathogenic (1 of 4 stars; one submission).

Submission:

Dasa
Classification: Likely pathogenic. Last evaluated: 2024-09-15. Review status: criteria provided, single submitter. Criteria: DASA Assertion Criteria. Collection method: clinical testing. Allele origin: germline.
Comment: NM_080425.4(GNAS):c.593dup (p.Pro199Serfs*23) is a frameshift variant in GNAS predicted to alter the reading frame and introduce a premature termination codon and is predicted to result in an absent or altered protein product. Loss of function is an established disease mechanism for GNAS (PMID: 9876352; PMID: 11095461; PMID: 11600516). Also, this variant is absent from population databases. Based on the currently available evidence, this variant is classified as likely pathogenic.

Literature cited by the submitters: PubMed 9876352; PubMed 11095461; PubMed 11600516.

NM_080425.4(GNAS):c.593dup (p.Pro199fs)

Gene: GNAS (GNAS complex locus; plus strand). Cytogenetic location: 20q13.32.
Variant type: Duplication.
Coding change: c.593dup on transcript NM_080425.4 (MANE Plus Clinical); coding-DNA position 593, one base duplicated (C; older notation c.593dupC).
Protein change: p.Pro199fs; shifts the reading frame from proline 199.
Molecular consequence: frameshift variant. On other transcripts: intron variant (3).
Genome position (GRCh38, 1-based): chr20:58,853,858, C duplicated; the last of 2 consecutive C bases (chr20:58,853,857-58,853,858); duplicating either gives the same sequence. VCF-style (leftmost placement, unchanged base first): chr20-58853856-T-TC. GRCh37 (hg19) VCF-style: chr20-57428911-T-TC.
Other names: c.406dup, p.Leu136fs (NM_001077490.3, NM_001309883.1); c.593dup, p.Pro199fs (NM_001410913.1); c.*42+12972dup (NM_016592.5); c.43+12972dup (NM_001410912.1); c.-39+11983dup (NM_001309861.2); short protein forms L136fs, P199fs.
Identifiers: ClinVar variation 4880658 (VCV004880658.2).
Genomic context (GRCh38, chr20:58,853,856, plus strand): 5'-TCTCTTACAGGTCCCAGACCTTGCTCCAGGAGGCCCAGGTGCTGCAGGGGTCCCCGGAGC[T>TC]CCTCCCGAGGAGCCCCAAGCCCTCAGGCCTGCAAAGGCTGGCTCCAGAGGAGGCTACAGC-3'